The following is an entry in ClinVar:

NM_014908.4(DOLK):c.1372G>A (p.Gly458Ser)

Gene: DOLK (dolichol kinase; minus strand). Cytogenetic location: 9q34.11.
Variant type: single nucleotide variant.
Coding change: c.1372G>A on transcript NM_014908.4 (MANE Select); coding-DNA position 1372, G replaced by A.
Protein change: p.Gly458Ser; replaces glycine 458 with serine.
Molecular consequence: missense variant.
Genome position (GRCh38, 1-based): chr9:128,945,932, C>T on the plus strand (G>A on the coding strand, the complement: DOLK is on the minus strand). VCF-style: chr9-128945932-C-T. GRCh37 (hg19) VCF-style: chr9-131708211-C-T.
Other names: c.1372G>A (NM_014908.3); short protein forms G458S.
Identifiers: ClinVar variation 1376617 (VCV001376617.4), dbSNP rs748468540, ClinGen allele CA5271579.
Genomic context (GRCh38, chr9:128,945,932, plus strand): 5'-TCATGGTCCCCTCAAAAGTCTTTTTGGTTCCAGGCCAGCGGATCTCCCCCATGGTGCTAC[C>T]GAAGATGGAGGCCACAGTATCACCCACACCCACAGCCAGGACACCGGCATAGGGGACGAG-3'
Protein context (NP_055723.1, residues 448-468): GVGDTVASIF[Gly458Ser]STMGEIRWPG

ClinVar aggregate classification (germline): Uncertain significance. Review status: criteria provided, multiple submitters, no conflicts (2 of 4 stars). 2 submissions from 2 submitters: Uncertain significance (2). Last evaluated 2024-07-03.

Conditions:
Cardiovascular phenotype. Identifiers: MedGen CN230736.
DK1-congenital disorder of glycosylation. Also called: DK1-CDG; DOLK-congenital disorder of glycosylation; Carbohydrate deficient glycoprotein syndrome type 1m; CDG Im; DK1 DEFICIENCY; DOLICHOL KINASE DEFICIENCY. Identifiers: Orphanet 91131, MedGen C1835849, MONDO:0012556, OMIM 610768.

Allele frequency attached by ClinVar (database versions not stated): gnomAD 0.00001; gnomAD exomes 0.00001 and 0.00002; TOPMed 0.00001; ExAC 0.00004.

Submissions (2):

Ambry Genetics
Classification: Uncertain significance for Cardiovascular phenotype. Last evaluated: 2024-07-03. Review status: criteria provided, single submitter. Criteria: Ambry Variant Classification Scheme 2023. Collection method: clinical testing. Allele origin: germline.
Comment: The p.G458S variant (also known as c.1372G>A), located in coding exon 1 of the DOLK gene, results from a G to A substitution at nucleotide position 1372. The glycine at codon 458 is replaced by serine, an amino acid with similar properties. This amino acid position is highly conserved in available vertebrate species. In addition, this alteration is predicted to be deleterious by in silico analysis. Based on the available evidence, the clinical significance of this variant remains unclear.

Labcorp Genetics (formerly Invitae), Labcorp
Classification: Uncertain significance for DK1-congenital disorder of glycosylation. Last evaluated: 2022-07-15. Review status: criteria provided, single submitter. Criteria: Invitae Variant Classification Sherloc (09022015). Collection method: clinical testing. Allele origin: germline.
Comment: This sequence change replaces glycine, which is neutral and non-polar, with serine, which is neutral and polar, at codon 458 of the DOLK protein (p.Gly458Ser). This variant is present in population databases (rs748468540, gnomAD 0.02%), including at least one homozygous and/or hemizygous individual. This variant has not been reported in the literature in individuals affected with DOLK-related conditions. ClinVar contains an entry for this variant (Variation ID: 1376617). Algorithms developed to predict the effect of missense changes on protein structure and function (SIFT, PolyPhen-2, Align-GVGD) all suggest that this variant is likely to be disruptive. In summary, the available evidence is currently insufficient to determine the role of this variant in disease. Therefore, it has been classified as a Variant of Uncertain Significance.